The following is an entry in ClinVar:

NM_007294.4(BRCA1):c.790A>T (p.Ser264Cys)

Gene: BRCA1 (BRCA1 DNA repair associated; minus strand). Cytogenetic location: 17q21.31.
Variant type: single nucleotide variant.
Coding change: c.790A>T on transcript NM_007294.4 (MANE Select); coding-DNA position 790, A replaced by T.
Protein change: p.Ser264Cys; replaces serine 264 with cysteine.
Molecular consequence: missense variant. On other transcripts: 5 prime UTR variant (2), intron variant (136).
Genome position (GRCh38, 1-based): chr17:43,094,741, T>A on the plus strand (A>T on the coding strand, the complement: BRCA1 is on the minus strand). VCF-style: chr17-43094741-T-A. GRCh37 (hg19) VCF-style: chr17-41246758-T-A.
Other names: c.667A>T, p.Ser223Cys (NM_001407939.1, NM_001407648.1, NM_001407664.1 and 19 more transcripts); c.664A>T, p.Ser222Cys (NM_001407940.1, NM_001407941.1, NM_001407649.1 and 11 more transcripts); c.649A>T, p.Ser217Cys (NM_001407942.1, NM_001407944.1, NM_001407945.1 and 29 more transcripts); c.646A>T, p.Ser216Cys (NM_001407943.1, NM_001407964.1, NM_001407740.1 and 20 more transcripts); c.457A>T, p.Ser153Cys (NM_001407946.1, NM_001407947.1, NM_001407948.1 and 6 more transcripts); c.454A>T, p.Ser152Cys (NM_001407954.1, NM_001407955.1, NM_001407956.1 and 1 more transcripts); c.409A>T, p.Ser137Cys (NM_001407959.1, NM_001407960.1, NM_001407963.1); c.406A>T, p.Ser136Cys (NM_001407962.1); and 40 more; short protein forms S264C, S217C, S137C, S194C, S196C, S223C, S237C, S222C.
Identifiers: ClinVar variation 55703 (VCV000055703.4), dbSNP rs397509321, ClinGen allele CA003875.

ClinVar aggregate classification (germline): Likely benign. Review status: criteria provided, single submitter (1 of 4 stars). 2 submissions from 2 submitters: Likely benign (1). 1 of the submissions does not count toward it. Last evaluated 2023-03-23.

Conditions:
Hereditary cancer-predisposing syndrome. Also called: Neoplastic Syndromes, Hereditary; Hereditary neoplastic syndrome; Tumor predisposition; Hereditary Cancer Syndrome. Identifiers: Orphanet 140162, MedGen C0027672, MeSH D009386, MONDO:0015356.
Familial cancer of breast. Also called: BREAST CANCER, FAMILIAL; Hereditary breast cancer; hereditary breast carcinoma. Identifiers: Orphanet 227535, MedGen C0346153, MONDO:0016419, OMIM 114480. Disease mechanism: loss of function.

Submissions (2):

University of Washington Department of Laboratory Medicine, University of Washington
Classification: Likely benign for Hereditary cancer-predisposing syndrome. Last evaluated: 2023-03-23. Review status: criteria provided, single submitter. Criteria: Dines et al. (Genet Med. 2020). Collection method: curation. Allele origin: germline.
Comment: Missense variant in a coldspot region where missense variants are very unlikely to be pathogenic (PMID:31911673).

BRCA1 coldspot (exon 11 using historical exon numbering). Reclassification based on statistical prior probability

ClinVar Staff, National Center for Biotechnology Information (NCBI)
No classification provided. Condition: Familial cancer of breast. Review status: no classification provided. Collection method: literature only. Allele origin: germline. Affected: yes. Not counted in ClinVar's aggregate classification.

Literature cited by the submitters: PubMed 18273839 (cited by ClinVar Staff, National Center for Biotechnology Information (NCBI)).